The following is an entry in ClinVar:

ClinVar aggregate classification (germline): Uncertain significance. Review status: criteria provided, multiple submitters, no conflicts (2 of 4 stars). 2 submissions from 2 submitters: Uncertain significance (2). Last evaluated 2024-02-16.

Conditions:
Brugada syndrome 5 (BRGDA5). Identifiers: Orphanet 130, Orphanet 871, MedGen C2748541, MONDO:0013015, OMIM 612838.
Cardiovascular phenotype. Identifiers: MedGen CN230736.

Submissions (2):

Labcorp Genetics (formerly Invitae), Labcorp
Classification: Uncertain significance for Brugada syndrome 5. Last evaluated: 2024-02-16. Review status: criteria provided, single submitter. Criteria: Invitae Variant Classification Sherloc (09022015). Collection method: clinical testing. Allele origin: germline.
Comment: This sequence change replaces glycine, which is neutral and non-polar, with valine, which is neutral and non-polar, at codon 94 of the SCN1B protein (p.Gly94Val). This variant is not present in population databases (gnomAD no frequency). This variant has not been reported in the literature in individuals affected with SCN1B-related conditions. ClinVar contains an entry for this variant (Variation ID: 1397035). An algorithm developed to predict the effect of missense changes on protein structure and function (PolyPhen-2) suggests that this variant is likely to be disruptive. In summary, the available evidence is currently insufficient to determine the role of this variant in disease. Therefore, it has been classified as a Variant of Uncertain Significance.

Ambry Genetics
Classification: Uncertain significance for Cardiovascular phenotype. Last evaluated: 2017-08-28. Review status: criteria provided, single submitter. Criteria: Ambry Variant Classification Scheme 2023. Collection method: clinical testing. Allele origin: germline.
Comment: The p.G94V variant (also known as c.281G>T), located in coding exon 3 of the SCN1B gene, results from a G to T substitution at nucleotide position 281. The glycine at codon 94 is replaced by valine, an amino acid with dissimilar properties. This amino acid position is highly conserved in available vertebrate species. In addition, this alteration is predicted to be deleterious by in silico analysis. Since supporting evidence is limited at this time, the clinical significance of this alteration remains unclear.

NM_001037.5(SCN1B):c.281G>T (p.Gly94Val)

Gene: SCN1B (sodium voltage-gated channel beta subunit 1; plus strand). Cytogenetic location: 19q13.11.
Variant type: single nucleotide variant.
Coding change: c.281G>T on transcript NM_001037.5 (MANE Select); coding-DNA position 281, G replaced by T.
Protein change: p.Gly94Val; replaces glycine 94 with valine.
Molecular consequence: missense variant.
Genome position (GRCh38, 1-based): chr19:35,033,572, G>T. VCF-style: chr19-35033572-G-T. GRCh37 (hg19) VCF-style: chr19-35524476-G-T.
Other names: c.182G>T, p.Gly61Val (NM_001321605.2); c.281G>T, p.Gly94Val (NM_199037.5); short protein forms G61V, G94V.
Identifiers: ClinVar variation 1397035 (VCV001397035.10), dbSNP rs2151746413, ClinGen allele CA405328692.
Genomic context (GRCh38, chr19:35,033,572, plus strand): 5'-AGAATGAGGTGTTGCAGCTGGAGGAGGATGAGCGCTTCGAGGGCCGCGTGGTGTGGAATG[G>T]CAGCCGGGGCACCAAAGACCTGCAGGATCTGTCTATCTTCATCACCAATGTCACCTACAA-3'
Protein context (NP_001028.1, residues 84-104): ERFEGRVVWN[Gly94Val]SRGTKDLQDL